The following is an entry in ClinVar:

ClinVar aggregate classification (germline): Benign. Review status: criteria provided, single submitter (1 of 4 stars). 2 submissions from 2 submitters: Benign (1). 1 of the submissions does not count toward it. Last evaluated 2023-02-01.

Conditions:
ADGRL2-related disorder. Also called: ADGRL2-related condition.

Allele frequency attached by ClinVar (database versions not stated): ExAC 0.00092; ESP Exome Variant Server 0.00092; TOPMed 0.00107; gnomAD 0.00110; gnomAD exomes 0.00120.
gnomAD v4.1: 1,926 of 1,613,908 alleles (0.12%); highest among the groups gnomAD compares: Non-Finnish European, 0.15%; 4 homozygotes.

Submissions (2):

CeGaT Center for Human Genetics Tuebingen
Classification: Benign. Last evaluated: 2023-02-01. Review status: criteria provided, single submitter. Criteria: CeGaT Center For Human Genetics Tuebingen Variant Classification Criteria Version 2. Collection method: clinical testing. Allele origin: germline. Affected: yes. Observed: 1 variant allele.
Comment: ADGRL2: BP4, BS1, BS2

PreventionGenetics, part of Exact Sciences
Classification: Likely benign for ADGRL2-related condition. Last evaluated: 2019-06-18. Review status: no assertion criteria provided. Collection method: clinical testing. Allele origin: germline. Not counted in ClinVar's aggregate classification.
Comment: This variant is classified as likely benign based on ACMG/AMP sequence variant interpretation guidelines (Richards et al. 2015 PMID: 25741868, with internal and published modifications).

NM_001366006.2(ADGRL2):c.2298C>T (p.Ser766=)

Gene: ADGRL2 (adhesion G protein-coupled receptor L2; plus strand). Cytogenetic location: 1p31.1.
Variant type: single nucleotide variant.
Coding change: c.2298C>T on transcript NM_001366006.2 (MANE Select); coding-DNA position 2298, C replaced by T.
Protein change: p.Ser766=; no amino-acid change (serine 766 retained).
Molecular consequence: synonymous variant. On other transcripts: non-coding transcript variant (1).
Genome position (GRCh38, 1-based): chr1:81,966,558, C>T. VCF-style: chr1-81966558-C-T. GRCh37 (hg19) VCF-style: chr1-82432242-C-T.
Other names: c.2298C>T (NM_001366005.1); c.2247C>T, p.Ser749= (NM_001297704.3, NM_001297705.3, NM_001297706.3 and 7 more transcripts); c.2286C>T, p.Ser762= (NM_001330645.3, NM_001366009.2, NM_001393350.1); c.2298C>T, p.Ser766= (NM_001350698.2, NM_001366003.2, NM_001366004.2 and 4 more transcripts).
Identifiers: ClinVar variation 2638902 (VCV002638902.25), dbSNP rs150187776, ClinGen allele CA922677.